The following is an entry in ClinVar:

ClinVar aggregate classification (germline): Likely benign. Review status: criteria provided, multiple submitters, no conflicts (2 of 4 stars). 2 submissions from 2 submitters: Likely benign (2). Last evaluated 2025-07-01.

Allele frequency attached by ClinVar (database versions not stated): ExAC 0.00003; ESP Exome Variant Server 0.00008; gnomAD 0.00011.
gnomAD v4.1: 115 of 1,613,852 alleles (0.0071%); highest among the groups gnomAD compares: Non-Finnish European, 0.0092%; no homozygotes.

Submissions (2):

CeGaT Center for Human Genetics Tuebingen
Classification: Likely benign. Last evaluated: 2025-07-01. Review status: criteria provided, single submitter. Criteria: CeGaT Center For Human Genetics Tuebingen Variant Classification Criteria Version 2. Collection method: clinical testing. Allele origin: germline. Affected: yes. Observed: 6 variant alleles.
Comment: EIF3F: BP4, BP7

Blueprint Genetics
Classification: Likely benign. Last evaluated: 2024-10-07. Review status: criteria provided, single submitter. Criteria: ACMG Guidelines, 2015. Collection method: clinical testing. Allele origin: germline.

NM_003754.3(EIF3F):c.816A>T (p.Val272=)

Genes: EIF3F (eukaryotic translation initiation factor 3 subunit F; plus strand), LOC126861132 (CDK7 strongly-dependent group 2 enhancer GRCh37_chr11:8016231-8017430; plus strand). Cytogenetic location: 11p15.4.
Variant type: single nucleotide variant.
Coding change: c.816A>T on transcript NM_003754.3 (MANE Select); coding-DNA position 816, A replaced by T.
Protein change: p.Val272=; no amino-acid change (valine 272 retained).
Molecular consequence: synonymous variant.
Genome position (GRCh38, 1-based): chr11:7,995,052, A>T. VCF-style: chr11-7995052-A-T. GRCh37 (hg19) VCF-style: chr11-8016599-A-T.
Identifiers: ClinVar variation 2641579 (VCV002641579.25), dbSNP rs374271988, ClinGen allele CA5870675.